The following is an entry in ClinVar:

NM_001543.5(NDST1):c.389G>A (p.Arg130His)

Gene: NDST1 (N-deacetylase and N-sulfotransferase 1; plus strand). Cytogenetic location: 5q33.1.
Variant type: single nucleotide variant.
Coding change: c.389G>A on transcript NM_001543.5 (MANE Select); coding-DNA position 389, G replaced by A.
Protein change: p.Arg130His; replaces arginine 130 with histidine.
Molecular consequence: missense variant.
Genome position (GRCh38, 1-based): chr5:150,521,643, G>A. VCF-style: chr5-150521643-G-A. GRCh37 (hg19) VCF-style: chr5-149901205-G-A.
Other names: c.389G>A, p.Arg130His (NM_001301063.2); short protein forms R130H.
Identifiers: ClinVar variation 1027938 (VCV001027938.1), dbSNP rs148227466, ClinGen allele CA3512392.

ClinVar aggregate classification (germline): Uncertain significance (1 of 4 stars; one submission).

Conditions:
Intellectual developmental disorder, autosomal recessive 46. Also called: Intellectual disability, autosomal recessive 46. Identifiers: Orphanet 88616, MedGen C4015283, MONDO:0014499, OMIM 616116.

Allele frequency attached by ClinVar (database versions not stated): gnomAD 0.00005 and 0.00004; ExAC 0.00002; ESP Exome Variant Server 0.00008; TOPMed 0.00009; gnomAD exomes 0.00002.

Submission:

Baylor Genetics
Classification: Uncertain significance for Intellectual developmental disorder, autosomal recessive 46. Last evaluated: 2019-06-05. Review status: criteria provided, single submitter. Criteria: ACMG Guidelines, 2015. Collection method: clinical testing. Allele origin: unknown. Affected: yes.
Comment: This variant was determined to be of uncertain significance according to ACMG Guidelines, 2015 [PMID:25741868].